The following is an entry in ClinVar:

NM_018139.3(DNAAF2):c.1692A>T (p.Gln564His)

Gene: DNAAF2 (dynein axonemal assembly factor 2; minus strand). Cytogenetic location: 14q21.3.
Variant type: single nucleotide variant.
Coding change: c.1692A>T on transcript NM_018139.3 (MANE Select); coding-DNA position 1692, A replaced by T.
Protein change: p.Gln564His; replaces glutamine 564 with histidine.
Molecular consequence: missense variant. On other transcripts: intron variant (1).
Genome position (GRCh38, 1-based): chr14:49,633,458, T>A on the plus strand (A>T on the coding strand, the complement: DNAAF2 is on the minus strand). VCF-style: chr14-49633458-T-A. GRCh37 (hg19) VCF-style: chr14-50100176-T-A.
Other names: c.1692A>T, p.Gln564His (NM_001083908.2); c.-205+25A>T (NM_001378453.1); short protein forms Q564H.
Identifiers: ClinVar variation 1376094 (VCV001376094.8), dbSNP rs1389375533, ClinGen allele CA389626244.

ClinVar aggregate classification (germline): Uncertain significance (1 of 4 stars; one submission).

Conditions:
Primary ciliary dyskinesia. Also called: Ciliary dyskinesia. Identifiers: Orphanet 244, MedGen C0008780, MONDO:0016575, HP:0012265.

Submission:

Labcorp Genetics (formerly Invitae), Labcorp
Classification: Uncertain significance for Primary ciliary dyskinesia. Last evaluated: 2021-02-28. Review status: criteria provided, single submitter. Criteria: Invitae Variant Classification Sherloc (09022015). Collection method: clinical testing. Allele origin: germline.
Comment: This sequence change replaces glutamine with histidine at codon 564 of the DNAAF2 protein (p.Gln564His). The glutamine residue is moderately conserved and there is a small physicochemical difference between glutamine and histidine. This variant is not present in population databases (ExAC no frequency). This variant has not been reported in the literature in individuals with DNAAF2-related conditions. Algorithms developed to predict the effect of missense changes on protein structure and function are either unavailable or do not agree on the potential impact of this missense change (SIFT: "Tolerated"; PolyPhen-2: "Possibly Damaging"; Align-GVGD: "Class C0"). In summary, the available evidence is currently insufficient to determine the role of this variant in disease. Therefore, it has been classified as a Variant of Uncertain Significance.